The following is an entry in ClinVar:

ClinVar aggregate classification (germline): Uncertain significance (1 of 4 stars; one submission).

Submission:

GeneDx
Classification: Uncertain significance. Last evaluated: 2022-04-27. Review status: criteria provided, single submitter. Criteria: GeneDx Variant Classification Process June 2021. Collection method: clinical testing. Allele origin: germline. Affected: yes.
Comment: Not observed at significant frequency in large population cohorts (gnomAD); In silico analysis supports that this missense variant does not alter protein structure/function; Has not been previously published as pathogenic or benign to our knowledge

NM_032551.5(KISS1R):c.73T>C (p.Cys25Arg)

Gene: KISS1R (KISS1 receptor; plus strand). Cytogenetic location: 19p13.3.
Variant type: single nucleotide variant.
Coding change: c.73T>C on transcript NM_032551.5 (MANE Select); coding-DNA position 73, T replaced by C.
Protein change: p.Cys25Arg; replaces cysteine 25 with arginine.
Molecular consequence: missense variant.
Genome position (GRCh38, 1-based): chr19:917,575, T>C. VCF-style: chr19-917575-T-C. GRCh37 (hg19) VCF-style: chr19-917575-T-C.
Other names: short protein forms C25R.
Identifiers: ClinVar variation 1712680 (VCV001712680.2), dbSNP rs2037067050, ClinGen allele CA402912734.
Genomic context (GRCh38, chr19:917,575, plus strand): 5'-GCTACGTCCGGACCCAACGCGTCCTGGGGGGCACCGGCCAACGCCTCCGGCTGCCCGGGC[T>C]GTGGCGCCAACGCCTCGGACGGCCCAGTCCCTTCGCCGCGGGCCGTGGACGCCTGGCTCG-3'
Protein context (NP_115940.2, residues 15-35): APANASGCPG[Cys25Arg]GANASDGPVP